The following is an entry in ClinVar:

NM_001128159.3(VPS53):c.87G>A (p.Gln29=)

Gene: VPS53 (VPS53 subunit of GARP complex; minus strand). Cytogenetic location: 17p13.3.
Variant type: single nucleotide variant.
Coding change: c.87G>A on transcript NM_001128159.3 (MANE Select); coding-DNA position 87, G replaced by A.
Protein change: p.Gln29=; no amino-acid change (glutamine 29 retained).
Molecular consequence: synonymous variant. On other transcripts: 5 prime UTR variant (1).
Genome position (GRCh38, 1-based): chr17:714,623, C>T on the plus strand (G>A on the coding strand, the complement: VPS53 is on the minus strand). VCF-style: chr17-714623-C-T. GRCh37 (hg19) VCF-style: chr17-617863-C-T.
Other names: NC_000017.10:g.617863C>T; c.87G>A, p.Gln29= (NM_001366253.2, NM_018289.4); c.-606G>A (NM_001366254.2).
Identifiers: ClinVar variation 680440 (VCV000680440.2), dbSNP rs201431069, ClinGen allele CA8261904.

ClinVar aggregate classification (germline): Likely benign (1 of 4 stars; one submission).

Allele frequency attached by ClinVar (database versions not stated): 1000 Genomes Project 30x 0.00016; 1000 Genomes Project 0.00020; gnomAD 0.00001 and 0.00002; TOPMed 0.00002.
gnomAD v4.1: 19 of 1,611,480 alleles (0.0012%); highest among the groups gnomAD compares: Admixed American, 0.03%; no homozygotes.

Submissions (2):

GeneDx
Classification: Likely benign. Last evaluated: 2018-03-20. Review status: criteria provided, single submitter. Criteria: GeneDx Variant Classification (06012015). Collection method: clinical testing. Allele origin: germline. Affected: yes.
Comment: This variant is considered likely benign or benign based on one or more of the following criteria: it is a conservative change, it occurs at a poorly conserved position in the protein, it is predicted to be benign by multiple in silico algorithms, and/or has population frequency not consistent with disease.

Dr. Peter K. Rogan Lab, Western University
No classification provided (evidence only). Condition: Malignant tumor of urinary bladder. Review status: no classification provided. Collection method: in vitro. Allele origin: not applicable. Functional consequence: retained intron. Not counted in ClinVar's aggregate classification.